The following is an entry in ClinVar:

NM_014675.5(CROCC):c.1734C>T (p.Asp578=)

Gene: CROCC (ciliary rootlet coiled-coil, rootletin; plus strand). Cytogenetic location: 1p36.13.
Variant type: single nucleotide variant.
Coding change: c.1734C>T on transcript NM_014675.5 (MANE Select); coding-DNA position 1734, C replaced by T.
Protein change: p.Asp578=; no amino-acid change (aspartic acid 578 retained).
Molecular consequence: synonymous variant.
Genome position (GRCh38, 1-based): chr1:16,940,019, C>T. VCF-style: chr1-16940019-C-T. GRCh37 (hg19) VCF-style: chr1-17266514-C-T.
Identifiers: ClinVar variation 2638373 (VCV002638373.24), dbSNP rs141271666, ClinGen allele CA634742.

ClinVar aggregate classification (germline): Likely benign (1 of 4 stars; one submission).

Allele frequency attached by ClinVar (database versions not stated): 1000 Genomes Project 30x 0.00219; 1000 Genomes Project 0.00220; ESP Exome Variant Server 0.00485; gnomAD exomes 0.00541.

Submission:

CeGaT Center for Human Genetics Tuebingen
Classification: Likely benign. Last evaluated: 2023-02-01. Review status: criteria provided, single submitter. Criteria: CeGaT Center For Human Genetics Tuebingen Variant Classification Criteria Version 2. Collection method: clinical testing. Allele origin: germline. Affected: yes. Observed: 3 variant alleles.
Comment: CROCC: BP4, BP7